The following is an entry in ClinVar:

NM_030761.5(WNT4):c.344T>C (p.Ile115Thr)

Gene: WNT4 (Wnt family member 4; minus strand). Cytogenetic location: 1p36.12.
Variant type: single nucleotide variant.
Coding change: c.344T>C on transcript NM_030761.5 (MANE Select); coding-DNA position 344, T replaced by C.
Protein change: p.Ile115Thr; replaces isoleucine 115 with threonine.
Molecular consequence: missense variant.
Genome position (GRCh38, 1-based): chr1:22,121,546, A>G on the plus strand (T>C on the coding strand, the complement: WNT4 is on the minus strand). VCF-style: chr1-22121546-A-G. GRCh37 (hg19) VCF-style: chr1-22448039-A-G.
Other names: short protein forms I115T.
Identifiers: ClinVar variation 2864644 (VCV002864644.3), dbSNP rs1301251364, ClinGen allele CA338918163.

ClinVar aggregate classification (germline): Uncertain significance (1 of 4 stars; one submission).

Allele frequency attached by ClinVar (database versions not stated): gnomAD exomes below 0.00001.
gnomAD v4.1: 3 of 1,613,844 alleles (0.00019%); highest among the groups gnomAD compares: Non-Finnish European, 0.00025%; no homozygotes.

Submission:

Labcorp Genetics (formerly Invitae), Labcorp
Classification: Uncertain significance. Last evaluated: 2023-05-23. Review status: criteria provided, single submitter. Criteria: Invitae Variant Classification Sherloc (09022015). Collection method: clinical testing. Allele origin: germline.
Comment: In summary, the available evidence is currently insufficient to determine the role of this variant in disease. Therefore, it has been classified as a Variant of Uncertain Significance. This sequence change replaces isoleucine, which is neutral and non-polar, with threonine, which is neutral and polar, at codon 115 of the WNT4 protein (p.Ile115Thr). This variant is present in population databases (no rsID available, gnomAD 0.007%). This variant has not been reported in the literature in individuals affected with WNT4-related conditions. Advanced modeling of protein sequence and biophysical properties (such as structural, functional, and spatial information, amino acid conservation, physicochemical variation, residue mobility, and thermodynamic stability) performed at Invitae indicates that this missense variant is expected to disrupt WNT4 protein function. Algorithms developed to predict the effect of sequence changes on RNA splicing suggest that this variant may disrupt the consensus splice site.